The following is an entry in ClinVar:

NM_003742.4(ABCB11):c.22C>T (p.Arg8Ter)

Gene: ABCB11 (ATP binding cassette subfamily B member 11; minus strand). Cytogenetic location: 2q31.1.
Variant type: single nucleotide variant.
Coding change: c.22C>T on transcript NM_003742.4 (MANE Select); coding-DNA position 22, C replaced by T.
Protein change: p.Arg8Ter; replaces arginine 8 with a stop codon.
Molecular consequence: nonsense.
Genome position (GRCh38, 1-based): chr2:169,018,104, G>A on the plus strand (C>T on the coding strand, the complement: ABCB11 is on the minus strand). VCF-style: chr2-169018104-G-A. GRCh37 (hg19) VCF-style: chr2-169874614-G-A.
Other names: p.Arg8*; c.22C>T, p.Arg8Ter (LRG_1199t1); short protein forms R8*.
Identifiers: ClinVar variation 288711 (VCV000288711.17), dbSNP rs886043986, ClinGen allele CA10606196.

ClinVar aggregate classification (germline): Pathogenic/Likely pathogenic. Review status: criteria provided, multiple submitters, no conflicts (2 of 4 stars). 6 submissions from 6 submitters: Pathogenic (5); Likely pathogenic (1). Last evaluated 2026-04-14.

Conditions:
Progressive familial intrahepatic cholestasis type 2. Identifiers: Orphanet 79304, MedGen C3489789, MONDO:0011156, OMIM 601847.
Benign recurrent intrahepatic cholestasis type 2 (BRIC2). Also called: Recurrent familial intrahepatic cholestasis 2. Identifiers: Orphanet 65682, Orphanet 99961, MedGen C2608083, MONDO:0011559, OMIM 605479.
Familial intrahepatic cholestasis. Identifiers: Orphanet 284385, MedGen CN296401, MONDO:0017290.

Allele frequency attached by ClinVar (database versions not stated): gnomAD exomes below 0.00001 and 0.00001.
gnomAD v4.1: 6 of 1,613,408 alleles (0.00037%); highest among the groups gnomAD compares: South Asian, 0.0011%; no homozygotes.

Submissions (6):

Genomenon, Inc
Classification: Pathogenic for Familial intrahepatic cholestasis. Last evaluated: 2026-04-14. Review status: criteria provided, single submitter. Criteria: Genomenon Sequence Variant Interpretation Standards - Updated. Collection method: curation. Allele origin: germline. Affected: yes.
Comment: ABCB11 p.Arg8Ter (c.22C>T) is a nonsense variant that introduces a premature stop codon at amino acid position 8, creating a truncated protein that may be subject to nonsense-mediated mRNA decay. This variant has been observed in at least one proband with an ABCB11-related disorder (PMID:38341604;37697751;36995996;32087350;28733223). It is absent or not present at a significant frequency in gnomAD. In conclusion, we classify ABCB11 p.Arg8Ter (c.22C>T) as a pathogenic variant.

Labcorp Genetics (formerly Invitae), Labcorp
Classification: Pathogenic. Last evaluated: 2025-10-23. Review status: criteria provided, single submitter. Criteria: Invitae Variant Classification Sherloc (09022015). Collection method: clinical testing. Allele origin: germline.
Comment: This sequence change creates a premature translational stop signal (p.Arg8*) in the ABCB11 gene. It is expected to result in an absent or disrupted protein product. Loss-of-function variants in ABCB11 are known to be pathogenic (PMID: 18395098, 20232290). This variant is present in population databases (no rsID available, gnomAD 0.009%). This premature translational stop signal has been observed in individual(s) with ABCB11-related conditions (PMID: 28733223). ClinVar contains an entry for this variant (Variation ID: 288711). Algorithms developed to predict the effect of sequence changes on RNA splicing suggest that this variant may disrupt the consensus splice site. For these reasons, this variant has been classified as Pathogenic.

Natera, Inc.
Classification: Pathogenic for Progressive familial intrahepatic cholestasis type 2. Last evaluated: 2025-07-14. Review status: criteria provided, single submitter. Criteria: Natera Variant Classification Schema (03/2026). Collection method: clinical testing. Allele origin: germline.
Comment: The c.22C>T variant in ABCB11 is a nonsense variant predicted to introduce a stop codon at amino acid 8. This variant is expected to result in nonsense mediated decay, truncation, or a dysfunctional protein product. This variant is rare in the general population with a frequency below the threshold expected for the associated phenotype(s). This variant has been observed in one or more individuals affected with the associated recessive disease, as either homozygous or compound heterozygous with a second variant (PMID: 32087350). Given the available evidence, this variant is classified as Pathogenic.

Mayo Clinic Laboratories, Mayo Clinic
Classification: Likely pathogenic. Last evaluated: 2022-02-09. Review status: criteria provided, single submitter. Criteria: ACMG Guidelines, 2015. Collection method: clinical testing. Allele origin: germline. Observed: 1 variant allele.
Comment: PM2, PVS1

Eurofins Ntd Llc (ga)
Classification: Pathogenic. Last evaluated: 2016-06-09. Review status: criteria provided, single submitter. Criteria: EGL Classification Definitions 2015. Collection method: clinical testing. Allele origin: germline. Observed: 1 variant allele, 1 heterozygote.

Juno Genomics, Hangzhou Juno Genomics, Inc
Classification: Pathogenic for Benign recurrent intrahepatic cholestasis type 2; Progressive familial intrahepatic cholestasis type 2. Review status: criteria provided, single submitter. Criteria: ACMG Guidelines, 2015. Collection method: clinical testing. Allele origin: germline.
Comment: Absent from controls (or at extremely low frequency if recessive) in Genome Aggregation Database.;Null variant in a gene where loss of function (LOF) is a known mechanism of disease.;For recessive disorders, detected in trans with a pathogenic variant.

Literature cited by the submitters: PubMed 38341604 (cited by Genomenon, Inc); PubMed 37697751 (cited by Genomenon, Inc); PubMed 36995996 (cited by Genomenon, Inc); PubMed 32087350 (cited by Genomenon, Inc and Natera, Inc.); PubMed 28733223 (cited by Genomenon, Inc and Labcorp Genetics (formerly Invitae), Labcorp); PubMed 18395098 (cited by Labcorp Genetics (formerly Invitae), Labcorp); PubMed 20232290 (cited by Labcorp Genetics (formerly Invitae), Labcorp).